The following is an entry in ClinVar:

ClinVar aggregate classification (germline): Conflicting classifications of pathogenicity. Review status: criteria provided, conflicting classifications (1 of 4 stars). 2 submissions from 2 submitters: Uncertain significance (1); Likely benign (1). Last evaluated 2025-10-08.

Conditions:
Dilated cardiomyopathy 1AA (CMD1AA). Also called: CARDIOMYOPATHY, DILATED, 1AA, WITH OR WITHOUT LEFT VENTRICULAR NONCOMPACTION; CARDIOMYOPATHY, FAMILIAL HYPERTROPHIC, 23, WITH OR WITHOUT LEFT VENTRICULAR NONCOMPACTION; Cardiomyopathy, dilated, 1AA, with or without LVNC. Identifiers: Orphanet 154, MedGen C2677338, MONDO:0012808, OMIM 612158.
Primary familial hypertrophic cardiomyopathy (HCM). Identifiers: Orphanet 99739, MedGen C0949658, MeSH D024741, MONDO:0024573. Inheritance: Various modes of inheritance.
Cardiovascular phenotype. Identifiers: MedGen CN230736.

Allele frequency attached by ClinVar (database versions not stated): ExAC 0.00001; gnomAD exomes 0.00001; 1000 Genomes Project 30x 0.00016; 1000 Genomes Project 0.00020.
gnomAD v4.1: 13 of 1,614,008 alleles (0.00081%); highest among the groups gnomAD compares: African/African-American, 0.0053%; no homozygotes.

Submissions (2):

Labcorp Genetics (formerly Invitae), Labcorp
Classification: Likely benign for Primary familial hypertrophic cardiomyopathy; Dilated cardiomyopathy 1AA. Last evaluated: 2025-10-08. Review status: criteria provided, single submitter. Criteria: Invitae Variant Classification Sherloc (09022015). Collection method: clinical testing. Allele origin: germline.

Ambry Genetics
Classification: Uncertain significance for Cardiovascular phenotype. Last evaluated: 2025-02-27. Review status: criteria provided, single submitter. Criteria: Ambry Variant Classification Scheme 2023. Collection method: clinical testing. Allele origin: germline.
Comment: The p.R327H variant (also known as c.980G>A), located in coding exon 10 of the ACTN2 gene, results from a G to A substitution at nucleotide position 980. The arginine at codon 327 is replaced by histidine, an amino acid with highly similar properties. This amino acid position is conserved. In addition, the in silico prediction for this alteration is inconclusive. Since supporting evidence is limited at this time, the clinical significance of this alteration remains unclear.

NM_001103.4(ACTN2):c.980G>A (p.Arg327His)

Gene: ACTN2 (actinin alpha 2; plus strand). Cytogenetic location: 1q43.
Variant type: single nucleotide variant.
Coding change: c.980G>A on transcript NM_001103.4 (MANE Select); coding-DNA position 980, G replaced by A.
Protein change: p.Arg327His; replaces arginine 327 with histidine.
Molecular consequence: missense variant.
Genome position (GRCh38, 1-based): chr1:236,739,405, G>A. VCF-style: chr1-236739405-G-A. GRCh37 (hg19) VCF-style: chr1-236902705-G-A.
Other names: c.980G>A, p.Arg327His (NM_001278343.2); c.356G>A, p.Arg119His (NM_001278344.2); short protein forms R327H, R119H.
Identifiers: ClinVar variation 1369913 (VCV001369913.9), dbSNP rs554811924, ClinGen allele CA1473022.